The following is an entry in ClinVar:

NM_007118.4(TRIO):c.7401T>C (p.Ser2467=)

Gene: TRIO (trio Rho guanine nucleotide exchange factor; plus strand). Cytogenetic location: 5p15.2.
Variant type: single nucleotide variant.
Coding change: c.7401T>C on transcript NM_007118.4 (MANE Select); coding-DNA position 7401, T replaced by C.
Protein change: p.Ser2467=; no amino-acid change (serine 2467 retained).
Molecular consequence: synonymous variant.
Genome position (GRCh38, 1-based): chr5:14,488,029, T>C. VCF-style: chr5-14488029-T-C. GRCh37 (hg19) VCF-style: chr5-14488138-T-C.
Identifiers: ClinVar variation 790315 (VCV000790315.43), dbSNP rs377647192, ClinGen allele CA3207398.

ClinVar aggregate classification (germline): Benign/Likely benign. Review status: criteria provided, multiple submitters, no conflicts (2 of 4 stars). 6 submissions from 6 submitters: Benign (2); Likely benign (4). Last evaluated 2026-04-01.

Conditions:
TRIO-related disorder. Also called: TRIO-related condition; TRIO-related disorders.
Intellectual developmental disorder, autosomal dominant 44, with microcephaly. Also called: TRIO-Related Intellectual Disability; Micrognathia-recurrent infections-behavioral abnormalities-mild intellectual disability syndrome. Identifiers: Orphanet 476126, MedGen C4310740, MONDO:0014892, OMIM 617061.
Intellectual developmental disorder, autosomal dominant 63, with macrocephaly. Also called: MENTAL RETARDATION, AUTOSOMAL DOMINANT 63, WITH MACROCEPHALY. Identifiers: MedGen C5394205, MONDO:0032939, OMIM 618825.

Allele frequency attached by ClinVar (database versions not stated): TOPMed 0.00044; gnomAD exomes 0.00067 and 0.00044; ExAC 0.00097; ESP Exome Variant Server 0.00036; gnomAD 0.00043 and 0.00046.
gnomAD v4.1: 1,017 of 1,602,164 alleles (0.063%); highest among the groups gnomAD compares: Non-Finnish European, 0.078%; no homozygotes.

Submissions (6):

CeGaT Center for Human Genetics Tuebingen
Classification: Likely benign. Last evaluated: 2026-04-01. Review status: criteria provided, single submitter. Criteria: CeGaT Center For Human Genetics Tuebingen Variant Classification Criteria Version 2. Collection method: clinical testing. Allele origin: germline. Affected: yes. Observed: 4 variant alleles.
Comment: TRIO: BP4, BP7

PreventionGenetics, part of Exact Sciences
Classification: Likely benign for TRIO-related condition. Last evaluated: 2025-10-06. Review status: criteria provided, single submitter. Criteria: ACMG Guidelines, 2015. Collection method: clinical testing. Allele origin: germline.
Comment: This variant is classified as likely benign based on ACMG/AMP sequence variant interpretation guidelines (Richards et al. 2015 PMID: 25741868, with internal and published modifications).

Blueprint Genetics
Classification: Likely benign. Last evaluated: 2024-11-06. Review status: criteria provided, single submitter. Criteria: ACMG Guidelines, 2015. Collection method: clinical testing. Allele origin: germline.

Fulgent Genetics
Classification: Likely benign for Intellectual developmental disorder, autosomal dominant 44, with microcephaly; Intellectual developmental disorder, autosomal dominant 63, with macrocephaly. Last evaluated: 2021-10-26. Review status: criteria provided, single submitter. Criteria: ACMG Guidelines, 2015. Collection method: clinical testing. Allele origin: unknown.

Labcorp Genetics (formerly Invitae), Labcorp
Classification: Benign. Last evaluated: 2019-12-31. Review status: criteria provided, single submitter. Criteria: Invitae Variant Classification Sherloc (09022015). Collection method: clinical testing. Allele origin: germline.

GeneDx
Classification: Benign. Last evaluated: 2019-02-11. Review status: criteria provided, single submitter. Criteria: GeneDx Variant Classification Process June 2021. Collection method: clinical testing. Allele origin: germline. Affected: yes.